The following is an entry in ClinVar:

NM_006859.4(LIAS):c.-12C>T

Genes: LIAS (lipoic acid synthetase; plus strand), LOC112939935 (Sharpr-MPRA regulatory region 11886; plus strand). Cytogenetic location: 4p14.
Variant type: single nucleotide variant.
Coding change: c.-12C>T on transcript NM_006859.4 (MANE Select); 12 bases upstream of the start codon, C replaced by T.
Molecular consequence: 5 prime UTR variant.
Genome position (GRCh38, 1-based): chr4:39,459,106, C>T. VCF-style: chr4-39459106-C-T. GRCh37 (hg19) VCF-style: chr4-39460726-C-T.
Other names: c.-12C>T (NM_001278590.2, NM_001278591.2, NM_001278592.2 and 2 more transcripts).
Identifiers: ClinVar variation 518144 (VCV000518144.1), dbSNP rs1391242501, ClinGen allele CA550735153.

ClinVar aggregate classification (germline): Likely benign (1 of 4 stars; one submission).

Allele frequency attached by ClinVar (database versions not stated): gnomAD exomes below 0.00001 and 0.00003; TOPMed 0.00001.
gnomAD v4.1: 16 of 1,614,116 alleles (0.00099%); highest among the groups gnomAD compares: East Asian, 0.029%; no homozygotes.

Submission:

GeneDx
Classification: Likely benign. Last evaluated: 2017-07-10. Review status: criteria provided, single submitter. Criteria: GeneDx Variant Classification (06012015). Collection method: clinical testing. Allele origin: germline. Affected: yes.
Comment: This variant is considered likely benign or benign based on one or more of the following criteria: it is a conservative change, it occurs at a poorly conserved position in the protein, it is predicted to be benign by multiple in silico algorithms, and/or has population frequency not consistent with disease.